The following is an entry in ClinVar:

NM_002181.4(IHH):c.604G>A (p.Gly202Ser)

Gene: IHH (Indian hedgehog signaling molecule; minus strand). Cytogenetic location: 2q35.
Variant type: single nucleotide variant.
Coding change: c.604G>A on transcript NM_002181.4 (MANE Select); coding-DNA position 604, G replaced by A.
Protein change: p.Gly202Ser; replaces glycine 202 with serine.
Molecular consequence: missense variant.
Genome position (GRCh38, 1-based): chr2:219,055,839, C>T on the plus strand (G>A on the coding strand, the complement: IHH is on the minus strand). VCF-style: chr2-219055839-C-T. GRCh37 (hg19) VCF-style: chr2-219920561-C-T.
Other names: short protein forms G202S.
Identifiers: ClinVar variation 3683988 (VCV003683988.2).

ClinVar aggregate classification (germline): Uncertain significance (1 of 4 stars; one submission).

Submission:

Labcorp Genetics (formerly Invitae), Labcorp
Classification: Uncertain significance. Last evaluated: 2024-05-07. Review status: criteria provided, single submitter. Criteria: Invitae Variant Classification Sherloc (09022015). Collection method: clinical testing. Allele origin: germline.
Comment: This sequence change replaces glycine, which is neutral and non-polar, with serine, which is neutral and polar, at codon 202 of the IHH protein (p.Gly202Ser). The frequency data for this variant in the population databases is considered unreliable, as metrics indicate poor data quality at this position in the gnomAD database. This variant has not been reported in the literature in individuals affected with IHH-related conditions. Advanced modeling of protein sequence and biophysical properties (such as structural, functional, and spatial information, amino acid conservation, physicochemical variation, residue mobility, and thermodynamic stability) performed at Invitae indicates that this missense variant is expected to disrupt IHH protein function with a positive predictive value of 80%. In summary, the available evidence is currently insufficient to determine the role of this variant in disease. Therefore, it has been classified as a Variant of Uncertain Significance.